The following is an entry in ClinVar:

NM_000123.4(ERCC5):c.1440C>T (p.His480=)

Genes: BIVM-ERCC5 (BIVM-ERCC5 readthrough; plus strand), ERCC5 (ERCC excision repair 5, endonuclease; plus strand). Cytogenetic location: 13q33.1.
Variant type: single nucleotide variant.
Coding change: c.1440C>T on transcript NM_000123.4 (MANE Select); coding-DNA position 1440, C replaced by T.
Protein change: p.His480=; no amino-acid change (histidine 480 retained).
Molecular consequence: synonymous variant.
Genome position (GRCh38, 1-based): chr13:102,862,589, C>T. VCF-style: chr13-102862589-C-T. GRCh37 (hg19) VCF-style: chr13-103514939-C-T.
Other names: c.2802C>T (NM_001204425.1); c.2802C>T, p.His934= (NM_001204425.2).
Identifiers: ClinVar variation 255159 (VCV000255159.19), dbSNP rs4150316, ClinGen allele CA7041410.

ClinVar aggregate classification (germline): Benign. Review status: criteria provided, multiple submitters, no conflicts (2 of 4 stars). 8 submissions from 8 submitters: Benign (7). 1 of the submissions does not count toward it. Last evaluated 2026-01-31.

Conditions:
Xeroderma pigmentosum, group G (XPG). Also called: ERCC5-Related Xeroderma Pigmentosum; XERODERMA PIGMENTOSUM VII; XP, GROUP G; Xeroderma pigmentosum type 7. Identifiers: MedGen C0268141, MONDO:0010216, OMIM 278780.

Allele frequency attached by ClinVar (database versions not stated): gnomAD exomes 0.00344 and 0.00867; ExAC 0.01050; gnomAD 0.03197 and 0.03429; TOPMed 0.03591; 1000 Genomes Project 0.03594; ESP Exome Variant Server 0.03906; 1000 Genomes Project 30x 0.04013.
gnomAD v4.1: 10,169 of 1,614,028 alleles (0.63%); highest among the groups gnomAD compares: African/African-American, 11%; 516 homozygotes.

Submissions (8):

Labcorp Genetics (formerly Invitae), Labcorp
Classification: Benign. Last evaluated: 2026-01-31. Review status: criteria provided, single submitter. Criteria: Invitae Variant Classification Sherloc (09022015). Collection method: clinical testing. Allele origin: germline.

KCCC/NGS Laboratory, Kuwait Cancer Control Center
Classification: Benign for Xeroderma pigmentosum, group G. Last evaluated: 2025-02-01. Review status: criteria provided, single submitter. Criteria: ACMG Guidelines, 2015. Collection method: clinical testing. Allele origin: germline. Affected: no.

GeneDx
Classification: Benign. Last evaluated: 2019-06-10. Review status: criteria provided, single submitter. Criteria: GeneDx Variant Classification Process June 2021. Collection method: clinical testing. Allele origin: germline. Affected: yes.

Illumina Laboratory Services, Illumina
Classification: Benign for Xeroderma pigmentosum, group G. Last evaluated: 2018-01-12. Review status: criteria provided, single submitter. Criteria: ICSL Variant Classification Criteria 13 December 2019. Collection method: clinical testing. Allele origin: germline.
Comment: This variant was observed in the ICSL laboratory as part of a predisposition screen in an ostensibly healthy population. It had not been previously curated by ICSL or reported in the Human Gene Mutation Database (HGMD: prior to June 1st, 2018), and was therefore a candidate for classification through an automated scoring system. Utilizing variant allele frequency, disease prevalence and penetrance estimates, and inheritance mode, an automated score was calculated to assess if this variant is too frequent to cause the disease. Based on the score and internal cut-off values, a variant classified as benign is not then subjected to further curation. The score for this variant resulted in a classification of benign for this disease.

Clinical Genetics DNA and cytogenetics Diagnostics Lab, Erasmus MC, Erasmus Medical Center
Classification: Benign for Xeroderma pigmentosum, group G. Last evaluated: 2015-09-21. Review status: criteria provided, single submitter. Criteria: ACGS Guidelines, 2013. Collection method: clinical testing. Allele origin: germline. Affected: yes. Study: VKGL Data-share Consensus.

Breakthrough Genomics
Classification: Benign. Review status: criteria provided, single submitter. Criteria: ACMG Guidelines, 2015. Collection method: not provided. Allele origin: germline. Inheritance: Autosomal recessive inheritance. Affected: yes.

PreventionGenetics, part of Exact Sciences
Classification: Benign. Review status: criteria provided, single submitter. Criteria: ACMG Guidelines, 2015. Collection method: clinical testing. Allele origin: germline.

Genome Diagnostics Laboratory, Amsterdam University Medical Center
Classification: Benign for Xeroderma pigmentosum, group G. Last evaluated: 2016-07-11. Review status: no assertion criteria provided. Criteria: ACGS Guidelines, 2013. Collection method: clinical testing. Allele origin: germline. Affected: yes. Study: VKGL Data-share Consensus. Not counted in ClinVar's aggregate classification.